The following is an entry in ClinVar:

NM_000106.5(CYP2D6):c.*264G>A (p.Gly169Arg)

Gene: CYP2D6 (cytochrome P450 family 2 subfamily D member 6 (gene/pseudogene); minus strand). Cytogenetic location: 22q13.2.
Variant type: single nucleotide variant.
Coding change: c.*264G>A on transcript NM_000106.5; 264 bases downstream of the stop codon, G replaced by A.
Protein change: p.Gly169Arg; replaces glycine 169 with arginine.
Molecular consequence: missense variant (on NM_000106.6). On other transcripts: intron variant (1).
Genome position (GRCh38, 1-based): chr22:42,129,033, C>T on the plus strand (G>A on the coding strand, the complement: CYP2D6 is on the minus strand). VCF-style: chr22-42129033-C-T. GRCh37 (hg19) VCF-style: chr22-42525035-C-T.
Other names: 1758G>A; c.505G>A, p.Gly169Arg (NM_000106.6); c.353-89G>A (NM_001025161.3); short protein forms G169R.
Identifiers: ClinVar variation 39399 (VCV000039399.8), dbSNP rs5030865, ClinGen allele CA10265091.

ClinVar aggregate classification (germline): Likely benign; other. Review status: criteria provided, multiple submitters, no conflicts (2 of 4 stars). 2 submissions from 2 submitters: Likely benign (1). Last evaluated 2018-08-06.

Allele frequency attached by ClinVar (database versions not stated): TOPMed 0.00120; 1000 Genomes Project 30x 0.00172; 1000 Genomes Project 0.00200.
gnomAD v4.1: 414 of 1,606,206 alleles (0.026%); highest among the groups gnomAD compares: East Asian, 0.83%; 22 homozygotes.

Submissions (7):

Eurofins Ntd Llc (ga)
Classification: other. Last evaluated: 2018-08-06. Review status: criteria provided, single submitter. Criteria: EGL ClinVar v180209 classification definitions. Collection method: clinical testing. Allele origin: germline.

GeneDx
Classification: Likely benign. Last evaluated: 2018-04-12. Review status: criteria provided, single submitter. Criteria: GeneDx Variant Classification (06012015). Collection method: clinical testing. Allele origin: germline. Affected: yes.
Comment: This variant is considered likely benign or benign based on one or more of the following criteria: it is a conservative change, it occurs at a poorly conserved position in the protein, it is predicted to be benign by multiple in silico algorithms, and/or has population frequency not consistent with disease.

Dr. Peter K. Rogan Lab, Western University
No classification provided (evidence only). Condition: Hepatocellular carcinoma. Review status: no classification provided. Collection method: in vitro. Allele origin: not applicable. Functional consequence: retained intron. Not counted in ClinVar's aggregate classification.

Dr. Peter K. Rogan Lab, Western University
No classification provided (evidence only). Condition: Gastric cancer. Review status: no classification provided. Collection method: in vitro. Allele origin: not applicable. Functional consequence: skipped exon. Not counted in ClinVar's aggregate classification.

Dr. Peter K. Rogan Lab, Western University
No classification provided (evidence only). Condition: Gastric cancer. Review status: no classification provided. Collection method: in vitro. Allele origin: not applicable. Functional consequence: retained intron. Not counted in ClinVar's aggregate classification.

Dr. Peter K. Rogan Lab, Western University
No classification provided (evidence only). Condition: Malignant tumor of esophagus. Review status: no classification provided. Collection method: in vitro. Allele origin: not applicable. Functional consequence: retained intron. Not counted in ClinVar's aggregate classification.

Dr. Peter K. Rogan Lab, Western University
No classification provided (evidence only). Condition: Malignant tumor of esophagus. Review status: no classification provided. Collection method: in vitro. Allele origin: not applicable. Functional consequence: skipped exon, retained intron. Not counted in ClinVar's aggregate classification.